The following is an entry in ClinVar:

NM_032975.4(DTNA):c.-143C>A

Gene: DTNA (dystrobrevin alpha; plus strand). Cytogenetic location: 18q12.1.
Variant type: single nucleotide variant.
Coding change: c.-143C>A on transcript NM_032975.4; 143 bases upstream of the start codon, C replaced by A.
Molecular consequence: 5 prime UTR variant.
Genome position (GRCh38, 1-based): chr18:34,493,498, C>A. VCF-style: chr18-34493498-C-A. GRCh37 (hg19) VCF-style: chr18-32073462-C-A.
Other names: c.-143C>A (NM_001198945.2, NM_001386754.1, NM_001386755.1 and 11 more transcripts).
Identifiers: ClinVar variation 383523 (VCV000383523.3), dbSNP rs1053107799, ClinGen allele CA16607961.

ClinVar aggregate classification (germline): Likely benign (1 of 4 stars; one submission).

Allele frequency attached by ClinVar (database versions not stated): TOPMed 0.00001.

Submission:

GeneDx
Classification: Likely benign. Last evaluated: 2016-02-12. Review status: criteria provided, single submitter. Criteria: GeneDx Variant Classification (06012015). Collection method: clinical testing. Allele origin: germline. Affected: yes.
Comment: This variant is considered likely benign or benign based on one or more of the following criteria: it is a conservative change, it occurs at a poorly conserved position in the protein, it is predicted to be benign by multiple in silico algorithms, and/or has population frequency not consistent with disease.